The following is an entry in ClinVar:

NM_000021.4(PSEN1):c.635C>A (p.Ser212Tyr)

Gene: PSEN1 (presenilin 1; plus strand). Cytogenetic location: 14q24.2.
Variant type: single nucleotide variant.
Coding change: c.635C>A on transcript NM_000021.4 (MANE Select); coding-DNA position 635, C replaced by A.
Protein change: p.Ser212Tyr; replaces serine 212 with tyrosine.
Molecular consequence: missense variant.
Genome position (GRCh38, 1-based): chr14:73,192,730, C>A. VCF-style: chr14-73192730-C-A. GRCh37 (hg19) VCF-style: chr14-73659438-C-A.
Other names: c.623C>A, p.Ser208Tyr (NM_007318.3); short protein forms S212Y, S208Y.
Identifiers: ClinVar variation 586386 (VCV000586386.11), dbSNP rs1555355250, ClinGen allele CA390299466.

ClinVar aggregate classification (germline): Pathogenic/Likely pathogenic. Review status: criteria provided, multiple submitters, no conflicts (2 of 4 stars). 2 submissions from 2 submitters: Pathogenic (1); Likely pathogenic (1). Last evaluated 2023-08-24.

Conditions:
Alzheimer disease 3 (AD3). Also called: ALZHEIMER DISEASE, FAMILIAL, 3. Identifiers: Orphanet 1020, MedGen C1843013, MONDO:0011913, OMIM 607822.
Pick disease. Also called: Pick Disease of the Brain; PICK DISEASE OF BRAIN; LOBAR ATROPHY OF BRAIN; DEMENTIA WITH LOBAR ATROPHY AND NEURONAL CYTOPLASMIC INCLUSIONS; Pick's disease. Identifiers: Orphanet 282, MedGen C0236642, MONDO:0008243, OMIM 172700.
Frontotemporal dementia (FTD1). Also called: FRONTOTEMPORAL LOBAR DEGENERATION WITH TAU INCLUSIONS; FTLD WITH TAU INCLUSIONS; Frontotemporal Dementia with Parkinsonism-17 (FTDP-17); Frontotemporal lobe dementia (FLDEM); Dementia, frontotemporal, with or without parkinsonism; MULTIPLE SYSTEM TAUOPATHY WITH PRESENILE DEMENTIA. Identifiers: Orphanet 282, MedGen C0338451, MONDO:0017276, OMIM 600274, HP:0002145.
Acne inversa, familial, 3 (ACNINV3). Identifiers: MedGen C3151038, MONDO:0013398, OMIM 613737.

Submissions (2):

Labcorp Genetics (formerly Invitae), Labcorp
Classification: Pathogenic for Alzheimer disease 3; Pick disease; Acne inversa, familial, 3; Frontotemporal dementia. Last evaluated: 2023-08-24. Review status: criteria provided, single submitter. Criteria: Invitae Variant Classification Sherloc (09022015). Collection method: clinical testing. Allele origin: germline.
Comment: This sequence change replaces serine, which is neutral and polar, with tyrosine, which is neutral and polar, at codon 212 of the PSEN1 protein (p.Ser212Tyr). This variant is not present in population databases (gnomAD no frequency). This missense change has been observed in individuals with PSEN1-related conditions (PMID: 21094210, 22232349, 22343824, 22460587, 22584618, 23085935, 24928124, 27614114; Invitae). It has also been observed to segregate with disease in related individuals. ClinVar contains an entry for this variant (Variation ID: 586386). Advanced modeling of protein sequence and biophysical properties (such as structural, functional, and spatial information, amino acid conservation, physicochemical variation, residue mobility, and thermodynamic stability) performed at Invitae indicates that this missense variant is expected to disrupt PSEN1 protein function. Experimental studies have shown that this missense change affects PSEN1 function (PMID: 27930341). For these reasons, this variant has been classified as Pathogenic.

Athena Diagnostics
Classification: Likely pathogenic. Last evaluated: 2017-04-26. Review status: criteria provided, single submitter. Criteria: Athena Diagnostics Criteria. Collection method: clinical testing. Allele origin: germline.

Literature cited by the submitters: PubMed 21094210 (cited by Labcorp Genetics (formerly Invitae), Labcorp and Athena Diagnostics); PubMed 22232349 (cited by Labcorp Genetics (formerly Invitae), Labcorp and Athena Diagnostics); PubMed 22343824 (cited by Labcorp Genetics (formerly Invitae), Labcorp and Athena Diagnostics); PubMed 22460587 (cited by Labcorp Genetics (formerly Invitae), Labcorp and Athena Diagnostics); PubMed 22584618 (cited by Labcorp Genetics (formerly Invitae), Labcorp and Athena Diagnostics); PubMed 23085935 (cited by Labcorp Genetics (formerly Invitae), Labcorp and Athena Diagnostics); PubMed 24928124 (cited by Labcorp Genetics (formerly Invitae), Labcorp and Athena Diagnostics); PubMed 27614114 (cited by Labcorp Genetics (formerly Invitae), Labcorp and Athena Diagnostics); PubMed 27930341 (cited by Labcorp Genetics (formerly Invitae), Labcorp and Athena Diagnostics); PubMed 20047059 (cited by Athena Diagnostics); PubMed 22426017 (cited by Athena Diagnostics).